The following is an entry in ClinVar:

NM_003809.3(TNFSF12):c.655C>G (p.Arg219Gly)

Genes: TNFSF12 (TNF superfamily member 12; plus strand), TNFSF12-TNFSF13 (TNFSF12-TNFSF13 readthrough; plus strand). Cytogenetic location: 17p13.1.
Variant type: single nucleotide variant.
Coding change: c.655C>G on transcript NM_003809.3 (MANE Select); coding-DNA position 655, C replaced by G.
Protein change: p.Arg219Gly; replaces arginine 219 with glycine.
Molecular consequence: missense variant. On other transcripts: non-coding transcript variant (1), intron variant (1).
Genome position (GRCh38, 1-based): chr17:7,557,255, C>G. VCF-style: chr17-7557255-C-G. GRCh37 (hg19) VCF-style: chr17-7460572-C-G.
Other names: c.498+353C>G (NM_172089.4); short protein forms R219G.
Identifiers: ClinVar variation 2707422 (VCV002707422.3), dbSNP rs764236967, ClinGen allele CA397864271.

ClinVar aggregate classification (germline): Uncertain significance (1 of 4 stars; one submission).

Conditions:
Common variable immunodeficiency (CVID). Also called: Common variable hypogamma-globulinemia; Common variable agammaglobulinemia. Identifiers: Orphanet 1572, MedGen C0009447, MONDO:0015517.

Submission:

Labcorp Genetics (formerly Invitae), Labcorp
Classification: Uncertain significance for Common variable immunodeficiency. Last evaluated: 2024-10-20. Review status: criteria provided, single submitter. Criteria: Invitae Variant Classification Sherloc (09022015). Collection method: clinical testing. Allele origin: germline.
Comment: This sequence change replaces arginine, which is basic and polar, with glycine, which is neutral and non-polar, at codon 219 of the TNFSF12 protein (p.Arg219Gly). This variant is not present in population databases (gnomAD no frequency). This variant has not been reported in the literature in individuals affected with TNFSF12-related conditions. An algorithm developed to predict the effect of missense changes on protein structure and function (PolyPhen-2) suggests that this variant is likely to be disruptive. Algorithms developed to predict the effect of sequence changes on RNA splicing suggest that this variant may create or strengthen a splice site. In summary, the available evidence is currently insufficient to determine the role of this variant in disease. Therefore, it has been classified as a Variant of Uncertain Significance.